The following is an entry in ClinVar:

ClinVar aggregate classification (germline): Uncertain significance. Review status: criteria provided, multiple submitters, no conflicts (2 of 4 stars). 2 submissions from 2 submitters: Uncertain significance (2). Last evaluated 2026-08-12.

Conditions:
Inborn genetic diseases. Identifiers: MedGen C0950123, MeSH D030342.

Allele frequency attached by ClinVar (database versions not stated): gnomAD exomes below 0.00001.
gnomAD v4.1: 1 of 1,614,200 alleles (0.000062%); highest among the groups gnomAD compares: Non-Finnish European, 0.000085%; no homozygotes.

Submissions (2):

Ambry Genetics
Classification: Uncertain significance for Inborn genetic diseases. Last evaluated: 2026-08-12. Review status: criteria provided, single submitter. Criteria: Ambry Variant Classification Scheme 2023. Collection method: clinical testing. Allele origin: germline.

Labcorp Genetics (formerly Invitae), Labcorp
Classification: Uncertain significance. Last evaluated: 2022-01-27. Review status: criteria provided, single submitter. Criteria: Invitae Variant Classification Sherloc (09022015). Collection method: clinical testing. Allele origin: germline.
Comment: This sequence change replaces leucine, which is neutral and non-polar, with valine, which is neutral and non-polar, at codon 291 of the MYH3 protein (p.Leu291Val). This variant is not present in population databases (gnomAD no frequency). This variant has not been reported in the literature in individuals affected with MYH3-related conditions. Algorithms developed to predict the effect of missense changes on protein structure and function are either unavailable or do not agree on the potential impact of this missense change (SIFT: "Deleterious"; PolyPhen-2: "Benign"; Align-GVGD: "Class C25"). In summary, the available evidence is currently insufficient to determine the role of this variant in disease. Therefore, it has been classified as a Variant of Uncertain Significance.

NM_002470.4(MYH3):c.871C>G (p.Leu291Val)

Gene: MYH3 (myosin heavy chain 3; minus strand). Cytogenetic location: 17p13.1.
Variant type: single nucleotide variant.
Coding change: c.871C>G on transcript NM_002470.4 (MANE Select); coding-DNA position 871, C replaced by G.
Protein change: p.Leu291Val; replaces leucine 291 with valine.
Molecular consequence: missense variant.
Genome position (GRCh38, 1-based): chr17:10,647,209, G>C on the plus strand (C>G on the coding strand, the complement: MYH3 is on the minus strand). VCF-style: chr17-10647209-G-C. GRCh37 (hg19) VCF-style: chr17-10550526-G-C.
Other names: c.871C>G (NM_002470.3); short protein forms L291V.
Identifiers: ClinVar variation 2090264 (VCV002090264.5), dbSNP rs2142413563, ClinGen allele CA398177736.